The following is an entry in ClinVar:

ClinVar aggregate classification (germline): Benign/Likely benign. Review status: criteria provided, multiple submitters, no conflicts (2 of 4 stars). 4 submissions from 4 submitters: Benign (2); Likely benign (1). 1 of the submissions does not count toward it. Last evaluated 2026-07-01.

Conditions:
Intellectual disability. Also called: intellectual disabilities; Intellectual functioning disability; Intellectual developmental disorder. Identifiers: MedGen C3714756, MeSH D008607, MONDO:0001071, HP:0001249.
GABRB2-related disorder. Also called: GABRB2-related condition.

Allele frequency attached by ClinVar (database versions not stated): gnomAD 0.00059 and 0.00046; TOPMed 0.00072; ExAC 0.00122; gnomAD exomes 0.00134 and 0.00057; 1000 Genomes Project 0.00339; 1000 Genomes Project 30x 0.00359.
gnomAD v4.1: 915 of 1,613,876 alleles (0.057%); highest among the groups gnomAD compares: East Asian, 1.1%; 4 homozygotes.

Submissions (4):

CeGaT Center for Human Genetics Tuebingen
Classification: Likely benign. Last evaluated: 2026-07-01. Review status: criteria provided, single submitter. Criteria: CeGaT Center For Human Genetics Tuebingen Variant Classification Criteria Version 2. Collection method: clinical testing. Allele origin: germline. Affected: yes. Observed: 2 variant alleles.
Comment: GABRB2: BP4, BP7, BS1

Labcorp Genetics (formerly Invitae), Labcorp
Classification: Benign for Intellectual disability. Last evaluated: 2026-01-19. Review status: criteria provided, single submitter. Criteria: Invitae Variant Classification Sherloc (09022015). Collection method: clinical testing. Allele origin: germline.

GeneDx
Classification: Benign. Last evaluated: 2016-05-18. Review status: criteria provided, single submitter. Criteria: GeneDx Variant Classification (06012015). Collection method: clinical testing. Allele origin: germline. Affected: yes.
Comment: This variant is considered likely benign or benign based on one or more of the following criteria: it is a conservative change, it occurs at a poorly conserved position in the protein, it is predicted to be benign by multiple in silico algorithms, and/or has population frequency not consistent with disease.

PreventionGenetics, part of Exact Sciences
Classification: Benign for GABRB2-related condition. Last evaluated: 2019-09-17. Review status: no assertion criteria provided. Collection method: clinical testing. Allele origin: germline. Not counted in ClinVar's aggregate classification.
Comment: This variant is classified as benign based on ACMG/AMP sequence variant interpretation guidelines (Richards et al. 2015 PMID: 25741868, with internal and published modifications).

NM_001371727.1(GABRB2):c.1227C>T (p.Leu409=)

Gene: GABRB2 (gamma-aminobutyric acid type A receptor subunit beta2; minus strand). Cytogenetic location: 5q34.
Variant type: single nucleotide variant.
Coding change: c.1227C>T on transcript NM_001371727.1 (MANE Select); coding-DNA position 1227, C replaced by T.
Protein change: p.Leu409=; no amino-acid change (leucine 409 retained).
Molecular consequence: synonymous variant.
Genome position (GRCh38, 1-based): chr5:161,294,393, G>A on the plus strand (C>T on the coding strand, the complement: GABRB2 is on the minus strand). VCF-style: chr5-161294393-G-A. GRCh37 (hg19) VCF-style: chr5-160721400-G-A.
Other names: c.1113C>T, p.Leu371= (NM_000813.3); c.1227C>T, p.Leu409= (NM_021911.3).
Identifiers: ClinVar variation 385483 (VCV000385483.22), dbSNP rs146425610, ClinGen allele CA3543361.